The following is an entry in ClinVar:

ClinVar aggregate classification (germline): Uncertain significance (1 of 4 stars; one submission).

Conditions:
VPS13B-related disorder. Also called: VPS13B-related condition.

Submission:

PreventionGenetics, part of Exact Sciences
Classification: Uncertain significance for VPS13B-related condition. Last evaluated: 2026-06-16. Review status: criteria provided, single submitter. Criteria: ACMG Guidelines, 2015. Collection method: clinical testing. Allele origin: germline.
Comment: The VPS13B c.10651G>T variant is predicted to result in the amino acid substitution p.Ala3551Ser. To our knowledge, this variant has not been reported in the literature or in a large population database (gnomAD), indicating this variant is rare. At this time, the clinical significance of this variant is uncertain due to the absence of conclusive functional and genetic evidence.

NM_152564.5(VPS13B):c.10651G>T (p.Ala3551Ser)

Gene: VPS13B (vacuolar protein sorting 13 homolog B; plus strand). Cytogenetic location: 8q22.2.
Variant type: single nucleotide variant.
Coding change: c.10651G>T on transcript NM_152564.5 (MANE Select); coding-DNA position 10651, G replaced by T.
Protein change: p.Ala3551Ser; replaces alanine 3551 with serine.
Molecular consequence: missense variant.
Genome position (GRCh38, 1-based): chr8:99,854,040, G>T. VCF-style: chr8-99854040-G-T. GRCh37 (hg19) VCF-style: chr8-100866268-G-T.
Other names: c.10726G>T, p.Ala3576Ser (NM_017890.5); short protein forms A3551S, A3576S.
Identifiers: ClinVar variation 4990998 (VCV004990998.1).
Genomic context (GRCh38, chr8:99,854,040, plus strand): 5'-GGTCACTCCACACACCTCTCCGGGGGTAAACAGGTGTTGCCCATGCAGGTCACACAGCAC[G>T]CCAGGGCCTTGGTGAATCCTGTGAAGTTACGGAAACTGGTGATCCAGCCAGTAAATTTGC-3'
Protein context (NP_689777.3, residues 3541-3561): QVLPMQVTQH[Ala3551Ser]RALVNPVKLR